The following is an entry in ClinVar:

NM_000051.4(ATM):c.7651G>T (p.Asp2551Tyr)

Genes: ATM (ATM serine/threonine kinase; plus strand), C11orf65 (chromosome 11 open reading frame 65; minus strand). Cytogenetic location: 11q22.3.
Variant type: single nucleotide variant.
Coding change: c.7651G>T on transcript NM_000051.4 (MANE Select); coding-DNA position 7651, G replaced by T.
Protein change: p.Asp2551Tyr; replaces aspartic acid 2551 with tyrosine.
Molecular consequence: missense variant. On other transcripts: intron variant (2).
Genome position (GRCh38, 1-based): chr11:108,331,900, G>T. VCF-style: chr11-108331900-G-T. GRCh37 (hg19) VCF-style: chr11-108202627-G-T.
Other names: c.7651G>T, p.Asp2551Tyr (NM_001351834.2); c.641-22829C>A (NM_001330368.2); c.*38+3320C>A (NM_001351110.2); short protein forms D2551Y.
Identifiers: ClinVar variation 3626264 (VCV003626264.2).

ClinVar aggregate classification (germline): Uncertain significance (1 of 4 stars; one submission).

Conditions:
Ataxia-telangiectasia syndrome (AT). Also called: LOUIS-BAR SYNDROME; Cerebello-oculocutaneous telangiectasia; Immunodeficiency with ataxia telangiectasia; ATAXIA-TELANGIECTASIA, COMPLEMENTATION GROUP A; ATAXIA-TELANGIECTASIA, FRESNO VARIANT; Ataxia-telangiectasia. Identifiers: Orphanet 100, MedGen C0004135, MONDO:0008840, OMIM 208900.

Submission:

Labcorp Genetics (formerly Invitae), Labcorp
Classification: Uncertain significance for Ataxia-telangiectasia syndrome. Last evaluated: 2024-02-29. Review status: criteria provided, single submitter. Criteria: Invitae Variant Classification Sherloc (09022015). Collection method: clinical testing. Allele origin: germline.
Comment: This sequence change replaces aspartic acid, which is acidic and polar, with tyrosine, which is neutral and polar, at codon 2551 of the ATM protein (p.Asp2551Tyr). This variant is not present in population databases (gnomAD no frequency). This variant has not been reported in the literature in individuals affected with ATM-related conditions. An algorithm developed to predict the effect of missense changes on protein structure and function (PolyPhen-2) suggests that this variant is likely to be disruptive. Algorithms developed to predict the effect of sequence changes on RNA splicing suggest that this variant may disrupt the consensus splice site. In summary, the available evidence is currently insufficient to determine the role of this variant in disease. Therefore, it has been classified as a Variant of Uncertain Significance.